The following is an entry in ClinVar:

NM_001868.4(CPA1):c.506G>A (p.Arg169His)

Gene: CPA1 (carboxypeptidase A1; plus strand). Cytogenetic location: 7q32.2.
Variant type: single nucleotide variant.
Coding change: c.506G>A on transcript NM_001868.4 (MANE Select); coding-DNA position 506, G replaced by A.
Protein change: p.Arg169His; replaces arginine 169 with histidine.
Molecular consequence: missense variant.
Genome position (GRCh38, 1-based): chr7:130,383,413, G>A. VCF-style: chr7-130383413-G-A. GRCh37 (hg19) VCF-style: chr7-130023254-G-A.
Other names: short protein forms R169H.
Identifiers: ClinVar variation 825414 (VCV000825414.13), dbSNP rs114365673, ClinGen allele CA4484827.
Genomic context (GRCh38, chr7:130,383,413, plus strand): 5'-TGAAATTGCCTCTGATCACTCCCCTGCCTCCTCTCCAGTTCAGCACGGGGGGCAGTAAGC[G>A]TCCAGCCATCTGGATCGACACGGGCATCCATTCCCGGGAGTGGGTCACCCAGGCCAGTGG-3'
Protein context (NP_001859.1, residues 159-179): VLKFSTGGSK[Arg169His]PAIWIDTGIH

ClinVar aggregate classification (germline): Conflicting classifications of pathogenicity. Review status: criteria provided, conflicting classifications (1 of 4 stars). 2 submissions from 2 submitters: Uncertain significance (1); Likely benign (1). Last evaluated 2026-01-26.

Conditions:
Hereditary pancreatitis (PCTT). Also called: Hereditary chronic pancreatitis; PRSS1-Related Hereditary Pancreatitis. Identifiers: Orphanet 676, MedGen C0238339, MONDO:0008185, OMIM 167800.

Allele frequency attached by ClinVar (database versions not stated): gnomAD 0.00005 and 0.00011; TOPMed 0.00010; ExAC 0.00029; 1000 Genomes Project 30x 0.00047; 1000 Genomes Project 0.00060.
gnomAD v4.1: 212 of 1,614,174 alleles (0.013%); highest among the groups gnomAD compares: South Asian, 0.19%; 1 homozygote.

Submissions (2):

Labcorp Genetics (formerly Invitae), Labcorp
Classification: Likely benign. Last evaluated: 2026-01-26. Review status: criteria provided, single submitter. Criteria: Invitae Variant Classification Sherloc (09022015). Collection method: clinical testing. Allele origin: germline.

Ambry Genetics
Classification: Uncertain significance for Hereditary pancreatitis. Last evaluated: 2024-08-28. Review status: criteria provided, single submitter. Criteria: Ambry Variant Classification Scheme 2023. Collection method: clinical testing. Allele origin: germline.
Comment: The p.R169H variant (also known as c.506G>A), located in coding exon 5 of the CPA1 gene, results from a G to A substitution at nucleotide position 506. The arginine at codon 169 is replaced by histidine, an amino acid with highly similar properties. This variant was identified 8 individuals diagnosed with chronic pancreatitis and 2 controls (Wu H et al. Hum. Mutat., 2017 08;38:959-963; Witt H et al. Nat. Genet., 2013 Oct;45:1216-20). In HEK293 cells, this variant demonstrated reduced apparent CPA1 activity and secretion levels compared to wild type (Wu H et al. Hum. Mutat., 2017 08;38:959-963; Witt H et al. Nat. Genet., 2013 Oct;45:1216-20). This amino acid position is highly conserved in available vertebrate species. In addition, the in silico prediction for this alteration is inconclusive. Based on the available evidence, the clinical significance of this variant remains unclear.

Literature cited by the submitters: PubMed 23955596 (cited by Ambry Genetics); PubMed 28497564 (cited by Ambry Genetics).